The following is an entry in ClinVar:

NM_012193.4(FZD4):c.215A>G (p.Gln72Arg)

Gene: FZD4 (frizzled class receptor 4; minus strand). Cytogenetic location: 11q14.2.
Variant type: single nucleotide variant.
Coding change: c.215A>G on transcript NM_012193.4 (MANE Select); coding-DNA position 215, A replaced by G.
Protein change: p.Gln72Arg; replaces glutamine 72 with arginine.
Molecular consequence: missense variant.
Genome position (GRCh38, 1-based): chr11:86,954,871, T>C on the plus strand (A>G on the coding strand, the complement: FZD4 is on the minus strand). VCF-style: chr11-86954871-T-C. GRCh37 (hg19) VCF-style: chr11-86665913-T-C.
Other names: short protein forms Q72R.
Identifiers: ClinVar variation 2744656 (VCV002744656.3), dbSNP rs781161667, ClinGen allele CA6218511.
Genomic context (GRCh38, chr11:86,954,871, plus strand): 5'-CTGGAGCAGCCGTACTGGATGAGCGGTGTGAAAGTTGTCAGCTGCAGCTCGGCGTCCGTC[T>C]GCAGCTCGTGCCCAACCAGGTTGGGCATCTTGGTCACGTTGTAGCCGAGGTTCTGGCACA-3'
Protein context (NP_036325.2, residues 62-82): KMPNLVGHEL[Gln72Arg]TDAELQLTTF

ClinVar aggregate classification (germline): Uncertain significance (1 of 4 stars; one submission).

Allele frequency attached by ClinVar (database versions not stated): ExAC 0.00001; gnomAD exomes 0.00001.
gnomAD v4.1: 8 of 1,613,338 alleles (0.0005%); highest among the groups gnomAD compares: Non-Finnish European, 0.00068%; no homozygotes.

Submission:

Labcorp Genetics (formerly Invitae), Labcorp
Classification: Uncertain significance. Last evaluated: 2023-09-14. Review status: criteria provided, single submitter. Criteria: Invitae Variant Classification Sherloc (09022015). Collection method: clinical testing. Allele origin: germline.
Comment: This sequence change replaces glutamine, which is neutral and polar, with arginine, which is basic and polar, at codon 72 of the FZD4 protein (p.Gln72Arg). This variant is present in population databases (rs781161667, gnomAD 0.0009%). This variant has not been reported in the literature in individuals affected with FZD4-related conditions. Advanced modeling of protein sequence and biophysical properties (such as structural, functional, and spatial information, amino acid conservation, physicochemical variation, residue mobility, and thermodynamic stability) performed at Invitae indicates that this missense variant is not expected to disrupt FZD4 protein function. In summary, the available evidence is currently insufficient to determine the role of this variant in disease. Therefore, it has been classified as a Variant of Uncertain Significance.